The following is an entry in ClinVar:

ClinVar aggregate classification (germline): Uncertain significance (1 of 4 stars; one submission).

Conditions:
Epidermolysis bullosa simplex 3, localized or generalized intermediate, with BP230 deficiency (EBS3). Also called: Epidermolysis bullosa simplex due to BP230 deficiency; Epidermolysis bullosa simplex, autosomal recessive 2. Identifiers: Orphanet 412181, MedGen C3809470, MONDO:0014180, OMIM 615425.
Hereditary sensory and autonomic neuropathy type 6. Also called: HSAN VI; Neuropathy, hereditary sensory and autonomic, type VI. Identifiers: Orphanet 314381, MedGen C3539003, MONDO:0013839, OMIM 614653.

gnomAD v4.1: 3 of 1,614,176 alleles (0.00019%); highest among the groups gnomAD compares: Non-Finnish European, 0.00017%; no homozygotes.

Submission:

Labcorp Genetics (formerly Invitae), Labcorp
Classification: Uncertain significance for Epidermolysis bullosa simplex 3, localized or generalized intermediate, with BP230 deficiency; Hereditary sensory and autonomic neuropathy type 6. Last evaluated: 2021-09-08. Review status: criteria provided, single submitter. Criteria: Invitae Variant Classification Sherloc (09022015). Collection method: clinical testing. Allele origin: germline.
Comment: This sequence change replaces threonine with alanine at codon 166 of the DST protein (p.Thr166Ala). The threonine residue is highly conserved and there is a small physicochemical difference between threonine and alanine. This variant is not present in population databases (ExAC no frequency). This variant has not been reported in the literature in individuals affected with DST-related conditions. Algorithms developed to predict the effect of missense changes on protein structure and function output the following: SIFT: "Deleterious"; PolyPhen-2: "Benign"; Align-GVGD: "Class C55". The alanine amino acid residue is found in multiple mammalian species, which suggests that this missense change does not adversely affect protein function. In summary, the available evidence is currently insufficient to determine the role of this variant in disease. Therefore, it has been classified as a Variant of Uncertain Significance.

NM_001374736.1(DST):c.2107A>G (p.Thr703Ala)

Gene: DST (dystonin; minus strand). Cytogenetic location: 6p12.1.
Variant type: single nucleotide variant.
Coding change: c.2107A>G on transcript NM_001374736.1 (MANE Select); coding-DNA position 2107, A replaced by G.
Protein change: p.Thr703Ala; replaces threonine 703 with alanine.
Molecular consequence: missense variant.
Genome position (GRCh38, 1-based): chr6:56,640,526, T>C on the plus strand (A>G on the coding strand, the complement: DST is on the minus strand). VCF-style: chr6-56640526-T-C. GRCh37 (hg19) VCF-style: chr6-56505324-T-C.
Other names: c.2008A>G, p.Thr670Ala (NM_001144769.5); c.1594A>G, p.Thr532Ala (NM_001144770.2); c.2107A>G, p.Thr703Ala (NM_001374722.1); c.1474A>G, p.Thr492Ala (NM_001374729.1, NM_001374730.1, NM_001386100.1 and 1 more transcripts); c.2134A>G, p.Thr712Ala (NM_001374734.1); c.496A>G, p.Thr166Ala (NM_001723.7, NM_015548.5); short protein forms T712A, T492A, T532A, T670A, T166A, T703A.
Identifiers: ClinVar variation 1517993 (VCV001517993.6), dbSNP rs2152777614, ClinGen allele CA364579034.